The following is an entry in ClinVar:

ClinVar aggregate classification (germline): Uncertain significance (1 of 4 stars; one submission).

Conditions:
Cardiovascular phenotype. Identifiers: MedGen CN230736.

Submission:

Ambry Genetics
Classification: Uncertain significance for Cardiovascular phenotype. Last evaluated: 2026-05-01. Review status: criteria provided, single submitter. Criteria: Ambry Variant Classification Scheme 2023. Collection method: clinical testing. Allele origin: germline.
Comment: The c.-5C>A variant is located in the 5' untranslated region (5&rsquo; UTR) of the ALMS1 gene. This variant results from a C to A substitution 5 bases upstream from the first translated codon. This nucleotide position is well conserved in available vertebrate species. Based on the available evidence, the clinical significance of this variant remains unclear.

NM_001378454.1(ALMS1):c.-5C>A

Gene: ALMS1 (ALMS1 centrosome and basal body associated protein; plus strand). Cytogenetic location: 2p13.1.
Variant type: single nucleotide variant.
Coding change: c.-5C>A on transcript NM_001378454.1 (MANE Select); 5 bases upstream of the start codon, C replaced by A.
Molecular consequence: 5 prime UTR variant.
Genome position (GRCh38, 1-based): chr2:73,385,864, C>A. VCF-style: chr2-73385864-C-A. GRCh37 (hg19) VCF-style: chr2-73612992-C-A.
Other names: c.-5C>A (NM_015120.4).
Identifiers: ClinVar variation 4870884 (VCV004870884.1).